The following is an entry in ClinVar:

ClinVar aggregate classification (germline): Pathogenic (3 of 4 stars; one submission).

Conditions:
Breast-ovarian cancer, familial, susceptibility to, 2 (BROVCA2). Also called: BRCA2 Hereditary Breast and Ovarian Cancer. Identifiers: Orphanet 145, MedGen C2675520, MONDO:0012933, OMIM 612555. Disease mechanism: loss of function.

Submission:

Evidence-based Network for the Interpretation of Germline Mutant Alleles (ENIGMA)
Classification: Pathogenic for Breast-ovarian cancer, familial, susceptibility to, 2. Last evaluated: 2016-10-18. Review status: reviewed by expert panel. Criteria: ENIGMA BRCA1/2 Classification Criteria (2015). Collection method: curation. Allele origin: germline.
Comment: Variant allele predicted to encode a truncated non-functional protein.

NM_000059.4(BRCA2):c.613_614insTGAG (p.Ser205fs)

Gene: BRCA2 (BRCA2 DNA repair associated; plus strand). Cytogenetic location: 13q13.1.
Variant type: Insertion.
Coding change: c.613_614insTGAG on transcript NM_000059.4 (MANE Select); coding-DNA positions 613 to 614, TGAG inserted.
Protein change: p.Ser205fs; shifts the reading frame from serine 205.
Molecular consequence: frameshift variant.
Genome position: GRCh38 VCF-style: chr13-32326595-A-ATGAG. GRCh37 (hg19) VCF-style: chr13-32900732-A-ATGAG.
Other names: 841_842insTGAG; short protein forms S205fs.
Identifiers: ClinVar variation 266925 (VCV000266925.3), dbSNP rs1555281101, ClinGen allele CA10589038.